The following is an entry in ClinVar:

ClinVar aggregate classification (germline): Uncertain significance (1 of 4 stars; one submission).

Allele frequency attached by ClinVar (database versions not stated): TOPMed below 0.00001.

Submission:

Ambry Genetics
Classification: Uncertain significance. Last evaluated: 2024-01-19. Review status: criteria provided, single submitter. Criteria: Ambry Variant Classification Scheme 2023. Collection method: clinical testing. Allele origin: germline.
Comment: The p.M2127T variant (also known as c.6380T>C), located in coding exon 12 of the ALPK2 gene, results from a T to C substitution at nucleotide position 6380. The methionine at codon 2127 is replaced by threonine, an amino acid with similar properties. This amino acid position is conserved. In addition, this alteration is predicted to be tolerated by in silico analysis. Based on the available evidence, the clinical significance of this alteration remains unclear.

NM_052947.4(ALPK2):c.6380T>C (p.Met2127Thr)

Gene: ALPK2 (alpha kinase 2; minus strand). Cytogenetic location: 18q21.31.
Variant type: single nucleotide variant.
Coding change: c.6380T>C on transcript NM_052947.4 (MANE Select); coding-DNA position 6380, T replaced by C.
Protein change: p.Met2127Thr; replaces methionine 2127 with threonine.
Molecular consequence: missense variant.
Genome position (GRCh38, 1-based): chr18:58,481,956, A>G on the plus strand (T>C on the coding strand, the complement: ALPK2 is on the minus strand). VCF-style: chr18-58481956-A-G. GRCh37 (hg19) VCF-style: chr18-56149188-A-G.
Other names: short protein forms M2127T.
Identifiers: ClinVar variation 3228856 (VCV003228856.1), dbSNP rs2051313806, ClinGen allele CA402538614.